The following is an entry in ClinVar:

NM_007289.4(MME):c.193T>C (p.Ser65Pro)

Gene: MME (membrane metalloendopeptidase; plus strand). Cytogenetic location: 3q25.2.
Variant type: single nucleotide variant.
Coding change: c.193T>C on transcript NM_007289.4 (MANE Select); coding-DNA position 193, T replaced by C.
Protein change: p.Ser65Pro; replaces serine 65 with proline.
Molecular consequence: missense variant.
Genome position (GRCh38, 1-based): chr3:155,085,091, T>C. VCF-style: chr3-155085091-T-C. GRCh37 (hg19) VCF-style: chr3-154802880-T-C.
Other names: c.193T>C, p.Ser65Pro (NM_000902.5, NM_001354642.2, NM_001354643.1 and 3 more transcripts); short protein forms S65P.
Identifiers: ClinVar variation 1676248 (VCV001676248.7), dbSNP rs201910473, ClinGen allele CA85828628.

ClinVar aggregate classification (germline): Uncertain significance. Review status: criteria provided, multiple submitters, no conflicts (2 of 4 stars). 2 submissions from 2 submitters: Uncertain significance (2). Last evaluated 2022-05-28.

Conditions:
MME-related autosomal dominant Charcot Marie Tooth disease type 2. Identifiers: Orphanet 497757, MedGen C5567450, MONDO:0044657.

Allele frequency attached by ClinVar (database versions not stated): TOPMed below 0.00001; gnomAD exomes 0.00001.
gnomAD v4.1: 19 of 1,581,446 alleles (0.0012%); highest among the groups gnomAD compares: Non-Finnish European, 0.0016%; no homozygotes.

Submissions (2):

Labcorp Genetics (formerly Invitae), Labcorp
Classification: Uncertain significance. Last evaluated: 2022-05-28. Review status: criteria provided, single submitter. Criteria: Invitae Variant Classification Sherloc (09022015). Collection method: clinical testing. Allele origin: germline.
Comment: This variant has not been reported in the literature in individuals affected with MME-related conditions. ClinVar contains an entry for this variant (Variation ID: 1676248). Algorithms developed to predict the effect of missense changes on protein structure and function (SIFT, PolyPhen-2, Align-GVGD) all suggest that this variant is likely to be tolerated. In summary, the available evidence is currently insufficient to determine the role of this variant in disease. Therefore, it has been classified as a Variant of Uncertain Significance. This variant is not present in population databases (gnomAD no frequency). This sequence change replaces serine, which is neutral and polar, with proline, which is neutral and non-polar, at codon 65 of the MME protein (p.Ser65Pro).

Molecular Genetics, Royal Melbourne Hospital
Classification: Uncertain significance for MME-related autosomal dominant Charcot Marie Tooth disease type 2. Last evaluated: 2021-07-02. Review status: criteria provided, single submitter. Criteria: ACMG Guidelines, 2015. Collection method: clinical testing. Allele origin: germline.
Comment: This sequence change is predicted to replace serine with proline at codon 65 of the MME protein (p.(Ser65Pro)). The serine residue is highly conserved in mammals (100 vertebrates, UCSC), and located in a helix in the peptidase M13 domain. There is a moderate physicochemical difference between serine and proline. The variant is absent in a large population cohort (gnomAD v2.1 and v3.1), and has not been reported in the relevant medical literature or databases. Multiple lines of computational evidence have conflicting predictions for the missense substitution (3/6 algorithms predict deleterious). Based on the classification scheme RMH Modified ACMG Guidelines v1.4.0, this variant is classified as a VARIANT OF UNCERTAIN SIGNIFICANCE. Following criteria are met: PM2_Supporting.